The following is an entry in ClinVar:

NM_007186.6(CEP250):c.200G>A (p.Arg67Gln)

Gene: CEP250 (centrosomal protein 250; plus strand). Cytogenetic location: 20q11.22.
Variant type: single nucleotide variant.
Coding change: c.200G>A on transcript NM_007186.6 (MANE Select); coding-DNA position 200, G replaced by A.
Protein change: p.Arg67Gln; replaces arginine 67 with glutamine.
Molecular consequence: missense variant. On other transcripts: 5 prime UTR variant (1).
Genome position (GRCh38, 1-based): chr20:35,463,588, G>A. VCF-style: chr20-35463588-G-A. GRCh37 (hg19) VCF-style: chr20-34051413-G-A.
Other names: c.200G>A (NM_007186.3); c.-1700G>A (NM_001318219.1); short protein forms R67Q.
Identifiers: ClinVar variation 1474424 (VCV001474424.6), dbSNP rs754042296, ClinGen allele CA9832532.

ClinVar aggregate classification (germline): Uncertain significance. Review status: criteria provided, multiple submitters, no conflicts (2 of 4 stars). 3 submissions from 3 submitters: Uncertain significance (3). Last evaluated 2025-06-18.

Allele frequency attached by ClinVar (database versions not stated): ExAC 0.00001; gnomAD exomes 0.00001 and 0.00002; TOPMed 0.00001; gnomAD 0.00002.
gnomAD v4.1: 13 of 1,609,802 alleles (0.00081%); highest among the groups gnomAD compares: East Asian, 0.016%; no homozygotes.

Submissions (3):

Ambry Genetics
Classification: Uncertain significance. Last evaluated: 2025-06-18. Review status: criteria provided, single submitter. Criteria: Ambry Variant Classification Scheme 2023. Collection method: clinical testing. Allele origin: germline.

Blueprint Genetics
Classification: Uncertain significance. Last evaluated: 2022-02-03. Review status: criteria provided, single submitter. Criteria: ACMG Guidelines, 2015. Collection method: clinical testing. Allele origin: germline.

Labcorp Genetics (formerly Invitae), Labcorp
Classification: Uncertain significance. Last evaluated: 2021-09-15. Review status: criteria provided, single submitter. Criteria: Invitae Variant Classification Sherloc (09022015). Collection method: clinical testing. Allele origin: germline.
Comment: This sequence change replaces arginine with glutamine at codon 67 of the CEP250 protein (p.Arg67Gln). The arginine residue is highly conserved and there is a small physicochemical difference between arginine and glutamine. This variant is present in population databases (rs754042296, ExAC 0.002%). This variant has not been reported in the literature in individuals affected with CEP250-related conditions. Algorithms developed to predict the effect of missense changes on protein structure and function are either unavailable or do not agree on the potential impact of this missense change (SIFT: "Not Available"; PolyPhen-2: "Probably Damaging"; Align-GVGD: "Not Available"). In summary, the available evidence is currently insufficient to determine the role of this variant in disease. Therefore, it has been classified as a Variant of Uncertain Significance.